The following is an entry in ClinVar:

ClinVar aggregate classification (germline): not provided (0 of 4 stars; one submission).

Conditions:
Familial long QT syndrome (RWS). Also called: Congenital long QT syndrome; Romano-Ward syndrome; VENTRICULAR FIBRILLATION WITH PROLONGED QT INTERVAL. Identifiers: Orphanet 768, MedGen C1141890, MONDO:0019171.

Submission:

Cardiovascular Biomedical Research Unit, Royal Brompton & Harefield NHS Foundation Trust
No classification provided. Condition: Familial long QT syndrome. Review status: no classification provided. Collection method: literature only. Allele origin: germline.
Comment: This variant has been reported as associated with Long QT syndrome in the following publications (PMID:12566525;PMID:19841300). This is a literature report, and does not necessarily reflect the clinical interpretation of the Imperial College / Royal Brompton Cardiovascular Genetics laboratory.

Literature cited by the submitters: PubMed 12566525; PubMed 19841300; PubMed 22581653.

NM_000238.4(KCNH2):c.191G>A (p.Cys64Tyr)

Gene: KCNH2 (potassium voltage-gated channel subfamily H member 2; minus strand). Cytogenetic location: 7q36.1.
Variant type: single nucleotide variant.
Coding change: c.191G>A on transcript NM_000238.4 (MANE Select); coding-DNA position 191, G replaced by A.
Protein change: p.Cys64Tyr; replaces cysteine 64 with tyrosine.
Molecular consequence: missense variant.
Genome position (GRCh38, 1-based): chr7:150,974,827, C>T on the plus strand (G>A on the coding strand, the complement: KCNH2 is on the minus strand). VCF-style: chr7-150974827-C-T. GRCh37 (hg19) VCF-style: chr7-150671915-C-T.
Other names: c.191G>A (LRG_288t1); c.14G>A, p.Cys5Tyr (NM_001406755.1); c.191G>A, p.Cys64Tyr (NM_172056.3); short protein forms C64Y, C5Y.
Identifiers: ClinVar variation 67335 (VCV000067335.3), dbSNP rs199473415, ClinGen allele CA006024.